The following is an entry in ClinVar:

ClinVar aggregate classification (germline): Conflicting classifications of pathogenicity. Review status: criteria provided, conflicting classifications (1 of 4 stars). 10 submissions from 10 submitters: Uncertain significance (8); Likely benign (1). 1 of the submissions does not count toward it. Last evaluated 2026-10-20.

Conditions:
Cardiac arrhythmia. Also called: Arrhythmia; Cardiac rhythm disease. Identifiers: MedGen C0003811, MONDO:0007263, HP:0011675.
Cardiovascular phenotype. Identifiers: MedGen CN230736.
Familial long QT syndrome (RWS). Also called: Congenital long QT syndrome; Romano-Ward syndrome; VENTRICULAR FIBRILLATION WITH PROLONGED QT INTERVAL. Identifiers: Orphanet 768, MedGen C1141890, MONDO:0019171.
Long QT syndrome (LQTS). Identifiers: MedGen C0023976, MeSH D008133, MONDO:0002442. Disease mechanism: loss of function. Inheritance: Various modes of inheritance.
Short QT syndrome type 1. Identifiers: Orphanet 51083, MedGen C1865020, MONDO:0012312, OMIM 609620.
Long QT syndrome 2 (LQT2). Identifiers: Orphanet 101016, Orphanet 768, MedGen C3150943, MONDO:0013367, OMIM 613688.
Long QT syndrome 1 (LQT1). Identifiers: Orphanet 101016, Orphanet 768, MedGen C4551647, MONDO:0100316, OMIM 192500, MONDO:0008646.

Allele frequency attached by ClinVar (database versions not stated): gnomAD exomes 0.00013; gnomAD 0.00004; ExAC below 0.00001; TOPMed 0.00013.
gnomAD v4.1: 57 of 1,548,498 alleles (0.0037%); highest among the groups gnomAD compares: Admixed American, 0.055%; no homozygotes.

Submissions (10):

GeneDx
Classification: Uncertain significance. Last evaluated: 2026-10-20. Review status: criteria provided, single submitter. Criteria: GeneDx Variant Classification Process June 2021. Collection method: clinical testing. Allele origin: germline.
Comment: Identified in one individual referred for arrhythmia genetic testing and in an individual with an abnormal newborn hearing screen and a prolonged QT interval who harbored additional variants in other arrhythmia-related genes (PMID: 19716085, 24388587); Published functional studies demonstrate cell membrane trafficking similar to that of wild type protein (PMID: 25417810); In silico analysis suggests that this missense variant does not alter protein structure/function; This variant is associated with the following publications: (PMID: 24388587, 28988457, 19716085, 22584458, 25417810)

Labcorp Genetics (formerly Invitae), Labcorp
Classification: Uncertain significance for Long QT syndrome. Last evaluated: 2026-01-27. Review status: criteria provided, single submitter. Criteria: Invitae Variant Classification Sherloc (09022015). Collection method: clinical testing. Allele origin: germline.
Comment: This sequence change replaces arginine, which is basic and polar, with tryptophan, which is neutral and slightly polar, at codon 1033 of the KCNH2 protein (p.Arg1033Trp). This variant is present in population databases (rs199473021, gnomAD 0.07%), and has an allele count higher than expected for a pathogenic variant. This missense change has been observed in individual(s) with long QT syndrome (PMID: 19716085, 24388587). ClinVar contains an entry for this variant (Variation ID: 67467). An algorithm developed to predict the effect of missense changes on protein structure and function (PolyPhen-2) suggests that this variant is likely to be disruptive. In summary, the available evidence is currently insufficient to determine the role of this variant in disease. Therefore, it has been classified as a Variant of Uncertain Significance.

Mayo Clinic Laboratories, Mayo Clinic
Classification: Uncertain significance. Last evaluated: 2025-09-06. Review status: criteria provided, single submitter. Criteria: ACMG Guidelines, 2015. Collection method: clinical testing. Allele origin: germline. Observed: 1 variant allele.
Comment: BS1, PP3

CeGaT Center for Human Genetics Tuebingen
Classification: Uncertain significance. Last evaluated: 2025-04-01. Review status: criteria provided, single submitter. Criteria: CeGaT Center For Human Genetics Tuebingen Variant Classification Criteria Version 2. Collection method: clinical testing. Allele origin: germline. Affected: yes. Observed: 1 variant allele.
Comment: KCNH2: PM2:Supporting, PS4:Supporting

All of Us Research Program, National Institutes of Health
Classification: Uncertain significance for Long QT syndrome. Last evaluated: 2024-09-23. Review status: criteria provided, single submitter. Criteria: ACMG Guidelines, 2015. Collection method: clinical testing. Allele origin: germline. Inheritance: Autosomal dominant inheritance. Observed: 17 variant alleles, 17 heterozygotes.
Comment: This missense variant replaces arginine with tryptophan at codon 1033 of the KCNH2 protein. Computational prediction is inconclusive regarding the impact of this variant on protein structure and function (internally defined REVEL score threshold 0.5 < inconclusive < 0.7, PMID: 27666373). Splice site prediction tools suggest that this variant may not impact RNA splicing. To our knowledge, functional studies have not been performed for this variant. This variant has been reported in an individual affected with long QT syndrome (PMID: 24388587) and in an individual referred for long QT testing (PMID: 19716085). This variant has been identified in 20/176856 chromosomes (17/25226 Latino chromosomes) in the general population by the Genome Aggregation Database (gnomAD). The available evidence is insufficient to determine the role of this variant in disease conclusively. Therefore, this variant is classified as a Variant of Uncertain Significance.

This study involves interpretation of variants in research participants for the purpose of population health screening. Participant phenotype was not available at the time of variant classification. Additional details can be found in publication PMID: 35346344, PMCID: PMC8962531

Color Diagnostics, LLC DBA Color Health
Classification: Uncertain significance for Cardiac arrhythmia. Last evaluated: 2024-03-07. Review status: criteria provided, single submitter. Criteria: ACMG Guidelines, 2015. Collection method: clinical testing. Allele origin: germline.
Comment: This missense variant replaces arginine with tryptophan at codon 1033 of the KCNH2 protein. Computational prediction is inconclusive regarding the impact of this variant on protein structure and function (internally defined REVEL score threshold 0.5 < inconclusive < 0.7, PMID: 27666373). To our knowledge, functional studies have not been reported for this variant. This variant has been reported in an individual affected with long QT syndrome (PMID: 24388587) and in an individual referred for long QT testing (PMID: 19716085). This variant has been identified in 20/176856 chromosomes in the general population by the Genome Aggregation Database (gnomAD). The available evidence is insufficient to determine the role of this variant in disease conclusively. Therefore, this variant is classified as a Variant of Uncertain Significance.

Ambry Genetics
Classification: Likely benign for Cardiovascular phenotype. Last evaluated: 2023-03-24. Review status: criteria provided, single submitter. Criteria: Ambry Variant Classification Scheme 2023. Collection method: clinical testing. Allele origin: germline.

Fulgent Genetics
Classification: Uncertain significance for Short QT syndrome type 1; Long QT syndrome 2. Last evaluated: 2021-08-31. Review status: criteria provided, single submitter. Criteria: ACMG Guidelines, 2015. Collection method: clinical testing. Allele origin: unknown.

Molecular Diagnostic Laboratory for Inherited Cardiovascular Disease, Montreal Heart Institute
Classification: Uncertain significance for Long QT syndrome 1. Last evaluated: 2020-02-18. Review status: criteria provided, single submitter. Criteria: ACMG Guidelines, 2015. Collection method: clinical testing. Allele origin: germline. Affected: yes.

Cardiovascular Biomedical Research Unit, Royal Brompton & Harefield NHS Foundation Trust
No classification provided. Condition: Familial long QT syndrome. Review status: no classification provided. Collection method: literature only. Allele origin: germline. Not counted in ClinVar's aggregate classification.
Comment: This variant has been reported as associated with Long QT syndrome in the following publications (PMID:19716085). This is a literature report, and does not necessarily reflect the clinical interpretation of the Imperial College / Royal Brompton Cardiovascular Genetics laboratory.

Literature cited by the submitters: PubMed 19716085 (cited by 6 submitters); PubMed 24388587 (cited by 5 submitters); PubMed 22584458 (cited by Mayo Clinic Laboratories, Mayo Clinic and Ambry Genetics); PubMed 25417810 (cited by Mayo Clinic Laboratories, Mayo Clinic and Ambry Genetics); PubMed 28988457 (cited by Mayo Clinic Laboratories, Mayo Clinic and Ambry Genetics); PubMed 22581653 (cited by Cardiovascular Biomedical Research Unit, Royal Brompton & Harefield NHS Foundation Trust).

NM_000238.4(KCNH2):c.3097C>T (p.Arg1033Trp)

Gene: KCNH2 (potassium voltage-gated channel subfamily H member 2; minus strand). Cytogenetic location: 7q36.1.
Variant type: single nucleotide variant.
Coding change: c.3097C>T on transcript NM_000238.4 (MANE Select); coding-DNA position 3097, C replaced by T.
Protein change: p.Arg1033Trp; replaces arginine 1033 with tryptophan.
Molecular consequence: missense variant.
Genome position (GRCh38, 1-based): chr7:150,947,383, G>A on the plus strand (C>T on the coding strand, the complement: KCNH2 is on the minus strand). VCF-style: chr7-150947383-G-A. GRCh37 (hg19) VCF-style: chr7-150644471-G-A.
Other names: c.3097C>T (NM_000238.2, LRG_288t1); c.2077C>T, p.Arg693Trp (NM_172057.3); short protein forms R1033W, R693W.
Identifiers: ClinVar variation 67467 (VCV000067467.39), dbSNP rs199473021, ClinGen allele CA007914.